The following is an entry in ClinVar:

NM_006946.4(SPTBN2):c.3722A>G (p.Glu1241Gly)

Gene: SPTBN2 (spectrin beta, non-erythrocytic 2; minus strand). Cytogenetic location: 11q13.2.
Variant type: single nucleotide variant.
Coding change: c.3722A>G on transcript NM_006946.4 (MANE Select); coding-DNA position 3722, A replaced by G.
Protein change: p.Glu1241Gly; replaces glutamic acid 1241 with glycine.
Molecular consequence: missense variant.
Genome position (GRCh38, 1-based): chr11:66,699,460, T>C on the plus strand (A>G on the coding strand, the complement: SPTBN2 is on the minus strand). VCF-style: chr11-66699460-T-C. GRCh37 (hg19) VCF-style: chr11-66466931-T-C.
Other names: short protein forms E1241G.
Identifiers: ClinVar variation 448497 (VCV000448497.45), dbSNP rs141683210, ClinGen allele CA6128793.
Genomic context (GRCh38, chr11:66,699,460, plus strand): 5'-TCAGACCTCCTCTCAATGGAGTCTGCCTTTTCCCGAATCTTGTCGGCGTGGATGTTGCCT[T>C]CAGATACCAGCTGGCGGCCAGCCTCCAGGAGCCCGTGGATCCGTTCCCCATTGGCGTCCA-3'
Protein context (NP_008877.2, residues 1231-1251): LLEAGRQLVS[Glu1241Gly]GNIHADKIRE

ClinVar aggregate classification (germline): Conflicting classifications of pathogenicity. Review status: criteria provided, conflicting classifications (1 of 4 stars). 10 submissions from 10 submitters: Uncertain significance (2); Benign (1); Likely benign (7). Last evaluated 2026-08-01.

Conditions:
SPTBN2-related disorder. Also called: SPTBN2-related condition.
Inborn genetic diseases. Identifiers: MedGen C0950123, MeSH D030342.
Autosomal recessive spinocerebellar ataxia 14. Also called: CEREBELLAR ATAXIA, AUTOSOMAL RECESSIVE, SPECTRIN-ASSOCIATED, 1. Identifiers: Orphanet 352403, MedGen C4706415, MONDO:0014159, OMIM 615386.
Spinocerebellar ataxia type 5 (SCA5). Identifiers: Orphanet 98766, MedGen C0752123, MONDO:0010848, OMIM 600224.

Allele frequency attached by ClinVar (database versions not stated): ESP Exome Variant Server 0.00115; 1000 Genomes Project 30x 0.00016; 1000 Genomes Project 0.00020; gnomAD 0.00056 and 0.00058; TOPMed 0.00060; gnomAD exomes 0.00067 and 0.00103; ExAC 0.00075.
gnomAD v4.1: 1,579 of 1,614,150 alleles (0.098%); highest among the groups gnomAD compares: South Asian, 0.16%; 6 homozygotes.

Submissions (10):

CeGaT Center for Human Genetics Tuebingen
Classification: Likely benign. Last evaluated: 2026-08-01. Review status: criteria provided, single submitter. Criteria: CeGaT Center For Human Genetics Tuebingen Variant Classification Criteria Version 2. Collection method: clinical testing. Allele origin: germline. Affected: yes. Observed: 5 variant alleles.
Comment: SPTBN2: BP4, BS2

Labcorp Genetics (formerly Invitae), Labcorp
Classification: Likely benign. Last evaluated: 2026-01-12. Review status: criteria provided, single submitter. Criteria: Invitae Variant Classification Sherloc (09022015). Collection method: clinical testing. Allele origin: germline.

GeneDx
Classification: Uncertain significance. Last evaluated: 2025-07-09. Review status: criteria provided, single submitter. Criteria: GeneDx Variant Classification Process June 2021. Collection method: clinical testing. Allele origin: germline. Affected: yes.
Comment: In silico analysis supports that this missense variant has a deleterious effect on protein structure/function; Has not been previously published as pathogenic or benign to our knowledge

Women's Health and Genetics/Laboratory Corporation of America, LabCorp
Classification: Likely benign. Last evaluated: 2025-06-27. Review status: criteria provided, single submitter. Criteria: LabCorp Variant Classification Summary - May 2015. Collection method: clinical testing. Allele origin: germline.
Comment: Variant summary: SPTBN2 c.3722A>G (p.Glu1241Gly) results in a non-conservative amino acid change in the encoded protein sequence. Algorithms developed to predict the effect of missense changes on protein structure and function are either unavailable or do not agree on the potential impact of this missense change. The variant allele was found at a frequency of 0.00098 in 1614150 control chromosomes in the gnomAD database, including 6 homozygotes. To our knowledge, no occurrence of c.3722A>G in individuals affected with Spinocerebellar Ataxia 5 and no experimental evidence demonstrating its impact on protein function have been reported. ClinVar contains an entry for this variant (Variation ID: 448497). Based on the evidence outlined above, the variant was classified as likely benign.

PreventionGenetics, part of Exact Sciences
Classification: Likely benign for SPTBN2-related condition. Last evaluated: 2025-05-05. Review status: criteria provided, single submitter. Criteria: ACMG Guidelines, 2015. Collection method: clinical testing. Allele origin: germline.
Comment: This variant is classified as likely benign based on ACMG/AMP sequence variant interpretation guidelines (Richards et al. 2015 PMID: 25741868, with internal and published modifications).

Blueprint Genetics
Classification: Likely benign. Last evaluated: 2024-11-26. Review status: criteria provided, single submitter. Criteria: ACMG Guidelines, 2015. Collection method: clinical testing. Allele origin: germline.

Ambry Genetics
Classification: Likely benign for Inborn genetic diseases. Last evaluated: 2022-02-14. Review status: criteria provided, single submitter. Criteria: Ambry Variant Classification Scheme 2023. Collection method: clinical testing. Allele origin: germline.

Laboratorio de Genetica e Diagnostico Molecular, Hospital Israelita Albert Einstein
Classification: Uncertain significance for Spinocerebellar ataxia type 5; Autosomal recessive spinocerebellar ataxia 14. Last evaluated: 2021-08-27. Review status: criteria provided, single submitter. Criteria: ACMG Guidelines, 2015. Collection method: clinical testing. Allele origin: germline. Affected: yes.
Comment: ACMG classification criteria: BP4 supporting

Department of Pathology and Laboratory Medicine, Sinai Health System
Classification: Likely benign for Spinocerebellar ataxia type 5; Autosomal recessive spinocerebellar ataxia 14. Last evaluated: 2021-07-30. Review status: criteria provided, single submitter. Criteria: ACMG Guidelines, 2015. Collection method: research. Allele origin: germline.

Athena Diagnostics
Classification: Benign. Last evaluated: 2016-09-19. Review status: criteria provided, single submitter. Criteria: Athena Diagnostics Criteria. Collection method: clinical testing. Allele origin: germline.